The following is an entry in ClinVar:

ClinVar aggregate classification (germline): Likely pathogenic (1 of 4 stars; one submission).

Conditions:
REST-related disorder. Also called: REST-related condition.

Submission:

PreventionGenetics, part of Exact Sciences
Classification: Likely pathogenic for REST-related condition. Last evaluated: 2022-11-14. Review status: criteria provided, single submitter. Criteria: ACMG Guidelines, 2015. Collection method: clinical testing. Allele origin: germline.
Comment: The REST c.908delC variant is predicted to result in a frameshift and premature protein termination (p.Pro303Hisfs*17). To our knowledge, this variant has not been reported in the literature or in a large population database, indicating this variant is rare. Frameshift variants in REST are expected to be pathogenic. This variant is interpreted as likely pathogenic.

NM_005612.5(REST):c.908del (p.Pro303fs)

Gene: REST (RE1 silencing transcription factor; plus strand). Cytogenetic location: 4q12.
Variant type: Deletion.
Coding change: c.908del on transcript NM_005612.5 (MANE Select); coding-DNA position 908, one base deleted (C; older notation c.908delC).
Protein change: p.Pro303fs; shifts the reading frame from proline 303.
Molecular consequence: frameshift variant.
Genome position (GRCh38, 1-based): chr4:56,919,796, C deleted; the last of 3 consecutive C bases (chr4:56,919,794-56,919,796); deleting any one gives the same sequence. VCF-style (leftmost placement, unchanged base first): chr4-56919793-GC-G. GRCh37 (hg19) VCF-style: chr4-57785959-GC-G.
Other names: c.908delC, p.Pro303Hisfs (NM_001193508.2, NM_001363453.3); short protein forms P303fs.
Identifiers: ClinVar variation 2635523 (VCV002635523.1), dbSNP rs2475825927, ClinGen allele CA2670726103.